The following is an entry in ClinVar:

NM_007286.6(SYNPO):c.814C>T (p.Pro272Ser)

Gene: SYNPO (synaptopodin; plus strand). Cytogenetic location: 5q33.1.
Variant type: single nucleotide variant.
Coding change: c.814C>T on transcript NM_007286.6 (MANE Select); coding-DNA position 814, C replaced by T.
Protein change: p.Pro272Ser; replaces proline 272 with serine.
Molecular consequence: missense variant.
Genome position (GRCh38, 1-based): chr5:150,649,089, C>T. VCF-style: chr5-150649089-C-T. GRCh37 (hg19) VCF-style: chr5-150028651-C-T.
Other names: c.814C>T, p.Pro272Ser (NM_001109974.3); c.1546C>T, p.Pro516Ser (NM_001166208.2, NM_001166209.2); short protein forms P272S, P516S.
Identifiers: ClinVar variation 445853 (VCV000445853.35), dbSNP rs146345840, ClinGen allele CA3513291.
Genomic context (GRCh38, chr5:150,649,089, plus strand): 5'-AGCCAGATGGAGAGGAGCCCCATGCTAGAGAGACGACATTTTGGGGAGAAGGCCCCGGCT[C>T]CCCAGCCCCCCAGTTTGCCAGACAGGAGCCCCCGGCCACAGAGACACATAATGTCCCGCA-3'
Protein context (NP_009217.3, residues 262-282): RRHFGEKAPA[Pro272Ser]QPPSLPDRSP

ClinVar aggregate classification (germline): Benign/Likely benign. Review status: criteria provided, multiple submitters, no conflicts (2 of 4 stars). 4 submissions from 4 submitters: Benign (1); Likely benign (3). Last evaluated 2026-01-13.

Allele frequency attached by ClinVar (database versions not stated): 1000 Genomes Project 0.00120; 1000 Genomes Project 30x 0.00125; TOPMed 0.00431; ESP Exome Variant Server 0.00477; ExAC 0.00481; gnomAD exomes 0.00485 and 0.00684; gnomAD 0.00511 and 0.00534.
gnomAD v4.1: 10,669 of 1,613,852 alleles (0.66%); highest among the groups gnomAD compares: Non-Finnish European, 0.81%; 56 homozygotes.

Submissions (4):

Labcorp Genetics (formerly Invitae), Labcorp
Classification: Benign. Last evaluated: 2026-01-13. Review status: criteria provided, single submitter. Criteria: Invitae Variant Classification Sherloc (09022015). Collection method: clinical testing. Allele origin: germline.

CeGaT Center for Human Genetics Tuebingen
Classification: Likely benign. Last evaluated: 2025-07-01. Review status: criteria provided, single submitter. Criteria: CeGaT Center For Human Genetics Tuebingen Variant Classification Criteria Version 2. Collection method: clinical testing. Allele origin: germline. Affected: yes. Observed: 3 variant alleles.
Comment: SYNPO: BP4, BS2

Center for Pediatric Genomic Medicine, Children's Mercy Hospital and Clinics
Classification: Likely benign. Last evaluated: 2017-06-15. Review status: criteria provided, single submitter. Criteria: ACMG Guidelines, 2015. Collection method: clinical testing. Allele origin: germline.

Breakthrough Genomics
Classification: Likely benign. Review status: criteria provided, single submitter. Criteria: ACMG Guidelines, 2015. Collection method: not provided. Allele origin: germline. Inheritance: Unknown mechanism. Affected: yes.